The following is an entry in ClinVar:

NM_001077350.3(NPRL3):c.975del (p.Tyr326fs)

Genes: HBA-LCR (alpha-globin locus control region; plus strand), NPRL3 (NPR3 like, GATOR1 complex subunit; minus strand). Cytogenetic location: 16p13.3.
Variant type: Deletion.
Coding change: c.975del on transcript NM_001077350.3 (MANE Select); coding-DNA position 975, one base deleted (C; older notation c.975delC).
Protein change: p.Tyr326fs; shifts the reading frame from tyrosine 326.
Molecular consequence: frameshift variant.
Genome position (GRCh38, 1-based): chr16:93,275, G deleted on the plus strand (C on the coding strand, the reverse complement: NPRL3 is on the minus strand). VCF-style (leftmost placement, unchanged base first): chr16-93274-AG-A. GRCh37 (hg19) VCF-style: chr16-143272-AG-A.
Other names: c.438del, p.Tyr147fs (NM_001039476.3); c.741del, p.Tyr248fs (NM_001243247.2); c.900del, p.Tyr301fs (NM_001243248.2, NM_001243249.2); short protein forms Y147fs, Y248fs, Y301fs, Y326fs.
Identifiers: ClinVar variation 2713329 (VCV002713329.3), dbSNP rs2542813636, ClinGen allele CA2697549465.

ClinVar aggregate classification (germline): Pathogenic (1 of 4 stars; one submission).

Conditions:
Epilepsy, familial focal, with variable foci 3 (FFEVF3). Identifiers: MedGen C4310708, MONDO:0014925, OMIM 617118.

Submission:

Labcorp Genetics (formerly Invitae), Labcorp
Classification: Pathogenic for Epilepsy, familial focal, with variable foci 3. Last evaluated: 2023-06-14. Review status: criteria provided, single submitter. Criteria: Invitae Variant Classification Sherloc (09022015). Collection method: clinical testing. Allele origin: germline.
Comment: For these reasons, this variant has been classified as Pathogenic. This variant has not been reported in the literature in individuals affected with NPRL3-related conditions. This variant is not present in population databases (gnomAD no frequency). This sequence change creates a premature translational stop signal (p.Tyr326Thrfs*87) in the NPRL3 gene. It is expected to result in an absent or disrupted protein product. Loss-of-function variants in NPRL3 are known to be pathogenic (PMID: 26285051, 26505888).

Literature cited by the submitters: PubMed 26285051; PubMed 26505888.